The following is an entry in ClinVar:

ClinVar aggregate classification (germline): Uncertain significance (1 of 4 stars; one submission).

Submission:

GeneDx
Classification: Uncertain significance. Last evaluated: 2023-12-19. Review status: criteria provided, single submitter. Criteria: GeneDx Variant Classification Process June 2021. Collection method: clinical testing. Allele origin: germline. Affected: yes.
Comment: Not observed at significant frequency in large population cohorts (gnomAD); In silico analysis supports that this missense variant does not alter protein structure/function; Has not been previously published as pathogenic or benign to our knowledge

NM_003587.5(DHX16):c.781G>A (p.Glu261Lys)

Gene: DHX16 (DEAH-box helicase 16; minus strand). Cytogenetic location: 6p21.33.
Variant type: single nucleotide variant.
Coding change: c.781G>A on transcript NM_003587.5 (MANE Select); coding-DNA position 781, G replaced by A.
Protein change: p.Glu261Lys; replaces glutamic acid 261 with lysine.
Molecular consequence: missense variant. On other transcripts: 5 prime UTR variant (1).
Genome position (GRCh38, 1-based): chr6:30,665,619, C>T on the plus strand (G>A on the coding strand, the complement: DHX16 is on the minus strand). VCF-style: chr6-30665619-C-T. GRCh37 (hg19) VCF-style: chr6-30633396-C-T.
Other names: c.601G>A, p.Glu201Lys (NM_001164239.2); c.-1339G>A (NM_001363515.2); short protein forms E201K, E261K.
Identifiers: ClinVar variation 3365936 (VCV003365936.1).
Genomic context (GRCh38, chr6:30,665,619, plus strand): 5'-GGGCGAGATCCCGCACTCGCCGCTTATATTTGAGCTCCTGCCGCTCGTGCCGGCTCAGCT[C>T]CACGTCCCCAAAAAGGAACTCCTCATCAGCCAGCTCCGCCTCCAGGTCCTCAAGCTTCTC-3'
Protein context (NP_003578.2, residues 251-271): ADEEFLFGDV[Glu261Lys]LSRHERQELK